The following is an entry in ClinVar:

ClinVar aggregate classification (germline): Conflicting classifications of pathogenicity. Review status: criteria provided, conflicting classifications (1 of 4 stars). 3 submissions from 3 submitters: Likely pathogenic (1); Uncertain significance (2). Last evaluated 2026-01-19.

Conditions:
Congenital myasthenic syndrome 2A. Also called: Myasthenic syndrome, congenital, 2a, slow-channel. Identifiers: Orphanet 590, MedGen C4225374, MONDO:0014581, OMIM 616313.

gnomAD v4.1: 5 of 1,613,886 alleles (0.00031%); highest among the groups gnomAD compares: Non-Finnish European, 0.00025%; no homozygotes.

Submissions (3):

Dasa
Classification: Uncertain significance. Last evaluated: 2026-01-19. Review status: criteria provided, single submitter. Criteria: DASA Assertion Criteria. Collection method: clinical testing. Allele origin: germline.
Comment: NM_000747.3(CHRNB1):c.199-2A>C affects a canonical splice site and is predicted to disrupt normal RNA splicing. This variant is rare in population databases. The currently available literature and clinical evidence are not sufficient to establish a definitive association between this variant and the reported condition. Therefore, this variant is classified as a variant of uncertain significance.

Labcorp Genetics (formerly Invitae), Labcorp
Classification: Likely pathogenic for Congenital myasthenic syndrome 2A. Last evaluated: 2025-08-18. Review status: criteria provided, single submitter. Criteria: Invitae Variant Classification Sherloc (09022015). Collection method: clinical testing. Allele origin: germline.
Comment: This sequence change affects an acceptor splice site in intron 2 of the CHRNB1 gene. It is expected to disrupt RNA splicing. Variants that disrupt the donor or acceptor splice site typically lead to a loss of protein function (PMID: 16199547), and loss-of-function variants in CHRNB1 are known to be pathogenic (PMID: 10562302). This variant is present in population databases (rs200648690, gnomAD 0.003%). This variant has not been reported in the literature in individuals affected with CHRNB1-related conditions. ClinVar contains an entry for this variant (Variation ID: 2085396). Algorithms developed to predict the effect of sequence changes on RNA splicing suggest that this variant may disrupt the consensus splice site. In summary, the currently available evidence indicates that the variant is pathogenic, but additional data are needed to prove that conclusively. Therefore, this variant has been classified as Likely Pathogenic.

Revvity Omics, Revvity
Classification: Uncertain significance. Last evaluated: 2020-02-27. Review status: criteria provided, single submitter. Criteria: ACMG Guidelines, 2015. Collection method: clinical testing. Allele origin: germline.

Literature cited by the submitters: PubMed 16199547 (cited by Labcorp Genetics (formerly Invitae), Labcorp); PubMed 10562302 (cited by Labcorp Genetics (formerly Invitae), Labcorp).

NM_000747.3(CHRNB1):c.199-2A>C

Gene: CHRNB1 (cholinergic receptor nicotinic beta 1 subunit; plus strand). Cytogenetic location: 17p13.1.
Variant type: single nucleotide variant.
Coding change: c.199-2A>C on transcript NM_000747.3 (MANE Select); the canonical splice acceptor site of the intron before coding-DNA position 199, A replaced by C.
Molecular consequence: splice acceptor variant.
Genome position (GRCh38, 1-based): chr17:7,446,067, A>C. VCF-style: chr17-7446067-A-C. GRCh37 (hg19) VCF-style: chr17-7349386-A-C.
Identifiers: ClinVar variation 2085396 (VCV002085396.9), dbSNP rs200648690, ClinGen allele CA287422683.